The following is an entry in ClinVar:

ClinVar aggregate classification (germline): Likely pathogenic (1 of 4 stars; one submission).

Submission:

Labcorp Genetics (formerly Invitae), Labcorp
Classification: Likely pathogenic. Last evaluated: 2019-12-13. Review status: criteria provided, single submitter. Criteria: Invitae Variant Classification Sherloc (09022015). Collection method: clinical testing. Allele origin: germline.
Comment: This variant has not been reported in the literature in individuals with LOXHD1-related conditions. This variant is not present in population databases (ExAC no frequency). This sequence change results in a premature translational stop signal in the LOXHD1 gene (p.Ala2106Glnfs*9). While this is not anticipated to result in nonsense mediated decay, it is expected to disrupt the last 106 amino acids of the LOXHD1 protein. This variant disrupts the p.Gly2118Glu amino acid residue in LOXHD1. Other variant(s) that disrupt this residue have been determined to be pathogenic (PMID: 29676012). This suggests that this residue is clinically significant, and that variants that disrupt this residue are likely to be disease-causing. In summary, the currently available evidence indicates that the variant is pathogenic, but additional data are needed to prove that conclusively. Therefore, this variant has been classified as Likely Pathogenic.

Literature cited by the submitters: PubMed 29676012.

NM_001384474.1(LOXHD1):c.6498del (p.Ala2168fs)

Gene: LOXHD1 (lipoxygenase homology PLAT domains 1; minus strand). Cytogenetic location: 18q21.1.
Variant type: Deletion.
Coding change: c.6498del on transcript NM_001384474.1 (MANE Select); coding-DNA position 6498, one base deleted (A; older notation c.6498delA).
Protein change: p.Ala2168fs; shifts the reading frame from alanine 2168.
Molecular consequence: frameshift variant.
Genome position (GRCh38, 1-based): chr18:46,477,796, T deleted on the plus strand (A on the coding strand, the reverse complement: LOXHD1 is on the minus strand). VCF-style (leftmost placement, unchanged base first): chr18-46477795-CT-C. GRCh37 (hg19) VCF-style: chr18-44057758-CT-C.
Other names: c.3165del, p.Ala1057fs (NM_001145472.3); c.1215del, p.Ala407fs (NM_001145473.3, NM_001173129.2); c.2877del, p.Ala961fs (NM_001308013.2); c.6312del, p.Ala2106fs (NM_144612.7); short protein forms A1057fs, A2106fs, A407fs, A961fs, A2168fs.
Identifiers: ClinVar variation 856989 (VCV000856989.9), dbSNP rs2032148329, ClinGen allele CA916083643.
Genomic context (GRCh38, chr18:46,477,795, plus strand): 5'-TGCCTGTGTCTCCGTTGGCCCCAAAGATGGTCACGAAGACGTTGGCATCAGTGCCTGCCC[CT>C]GGCTCATAGCCTGTTGTCACGATGACTTCGTACTTGACGGGCACCAGGCTCTGGACCTTG-3'